The following is an entry in ClinVar:

ClinVar aggregate classification (germline): Uncertain significance (1 of 4 stars; one submission).

Conditions:
Intellectual developmental disorder, X-linked, syndromic, Raymond type. Also called: Syndromic X-linked intellectual disability Raymond type. Identifiers: MedGen C3275406, MONDO:0010427, OMIM 300799.

Submission:

Labcorp Genetics (formerly Invitae), Labcorp
Classification: Uncertain significance for Intellectual developmental disorder, X-linked, syndromic, Raymond type. Last evaluated: 2021-10-28. Review status: criteria provided, single submitter. Criteria: Invitae Variant Classification Sherloc (09022015). Collection method: clinical testing. Allele origin: germline.
Comment: This sequence change replaces asparagine, which is neutral and polar, with lysine, which is basic and polar, at codon 133 of the ZDHHC9 protein (p.Asn133Lys). This variant is not present in population databases (gnomAD no frequency). This variant has not been reported in the literature in individuals affected with ZDHHC9-related conditions. ClinVar contains an entry for this variant (Variation ID: 641121). Algorithms developed to predict the effect of missense changes on protein structure and function are either unavailable or do not agree on the potential impact of this missense change (SIFT: "Tolerated"; PolyPhen-2: "Possibly Damaging"; Align-GVGD: "Class C0"). In summary, the available evidence is currently insufficient to determine the role of this variant in disease. Therefore, it has been classified as a Variant of Uncertain Significance.

NM_016032.4(ZDHHC9):c.399C>A (p.Asn133Lys)

Gene: ZDHHC9 (zDHHC palmitoyltransferase 9; minus strand). Cytogenetic location: Xq26.1.
Variant type: single nucleotide variant.
Coding change: c.399C>A on transcript NM_016032.4 (MANE Select); coding-DNA position 399, C replaced by A.
Protein change: p.Asn133Lys; replaces asparagine 133 with lysine.
Molecular consequence: missense variant.
Genome position (GRCh38, 1-based): chrX:129,823,767, G>T on the plus strand (C>A on the coding strand, the complement: ZDHHC9 is on the minus strand). VCF-style: chrX-129823767-G-T. GRCh37 (hg19) VCF-style: chrX-128957743-G-T.
Other names: c.399C>A, p.Asn133Lys (NM_001008222.3); short protein forms N133K.
Identifiers: ClinVar variation 641121 (VCV000641121.6), dbSNP rs911311531, ClinGen allele CA335099275.